The following is an entry in ClinVar:

NM_016013.4(NDUFAF1):c.-75T>C

Gene: NDUFAF1 (NADH:ubiquinone oxidoreductase complex assembly factor 1; minus strand). Cytogenetic location: 15q15.1.
Variant type: single nucleotide variant.
Coding change: c.-75T>C on transcript NM_016013.4 (MANE Select); 75 bases upstream of the start codon, T replaced by C.
Molecular consequence: 5 prime UTR variant. On other transcripts: non-coding transcript variant (1).
Genome position (GRCh38, 1-based): chr15:41,397,134, A>G on the plus strand (T>C on the coding strand, the complement: NDUFAF1 is on the minus strand). VCF-style: chr15-41397134-A-G. GRCh37 (hg19) VCF-style: chr15-41689332-A-G.
Identifiers: ClinVar variation 391371 (VCV000391371.1), dbSNP rs1057524062, ClinGen allele CA16607066.

ClinVar aggregate classification (germline): Likely benign (1 of 4 stars; one submission).

Allele frequency attached by ClinVar (database versions not stated): gnomAD exomes below 0.00001; TOPMed below 0.00001; gnomAD 0.00001.
gnomAD v4.1: 2 of 1,184,748 alleles (0.00017%); highest among the groups gnomAD compares: Non-Finnish European, 0.00025%; no homozygotes.

Submission:

GeneDx
Classification: Likely benign. Last evaluated: 2016-12-16. Review status: criteria provided, single submitter. Criteria: GeneDx Variant Classification (06012015). Collection method: clinical testing. Allele origin: germline. Affected: yes.
Comment: This variant is considered likely benign or benign based on one or more of the following criteria: it is a conservative change, it occurs at a poorly conserved position in the protein, it is predicted to be benign by multiple in silico algorithms, and/or has population frequency not consistent with disease.